The following is an entry in ClinVar:

ClinVar aggregate classification (germline): Uncertain significance (1 of 4 stars; one submission).

Conditions:
Inborn genetic diseases. Identifiers: MedGen C0950123, MeSH D030342.

gnomAD v4.1: 4 of 1,604,560 alleles (0.00025%); highest among the groups gnomAD compares: Non-Finnish European, 0.00026%; no homozygotes.

Submission:

Ambry Genetics
Classification: Uncertain significance for Inborn genetic diseases. Last evaluated: 2024-07-30. Review status: criteria provided, single submitter. Criteria: Ambry Variant Classification Scheme 2023. Collection method: clinical testing. Allele origin: germline.
Comment: The p.A945T variant (also known as c.2833G>A), located in coding exon 20 of the MIB1 gene, results from a G to A substitution at nucleotide position 2833. The alanine at codon 945 is replaced by threonine, an amino acid with similar properties. This amino acid position is conserved. In addition, this alteration is predicted to be deleterious by in silico analysis. Based on the available evidence, the clinical significance of this variant remains unclear.

NM_020774.4(MIB1):c.2833G>A (p.Ala945Thr)

Gene: MIB1 (MIB E3 ubiquitin protein ligase 1; plus strand). Cytogenetic location: 18q11.2.
Variant type: single nucleotide variant.
Coding change: c.2833G>A on transcript NM_020774.4 (MANE Select); coding-DNA position 2833, G replaced by A.
Protein change: p.Ala945Thr; replaces alanine 945 with threonine.
Molecular consequence: missense variant.
Genome position (GRCh38, 1-based): chr18:21,858,599, G>A. VCF-style: chr18-21858599-G-A. GRCh37 (hg19) VCF-style: chr18-19438560-G-A.
Other names: short protein forms A945T.
Identifiers: ClinVar variation 3395763 (VCV003395763.1).
Genomic context (GRCh38, chr18:21,858,599, plus strand): 5'-ATTATAGCAAGTGGGAATATTCCAGTATTACAAAAGGACAAGGATAATACCAATGTCAAT[G>A]CAGATGTGCAAAAGTTGCAGCAACAGTTACAAGACATTAAAGAGCAGGTAATAATGATTT-3'
Protein context (NP_065825.1, residues 935-955): QKDKDNTNVN[Ala945Thr]DVQKLQQQLQ